The following is an entry in ClinVar:

ClinVar aggregate classification (germline): Uncertain significance (1 of 4 stars; one submission).

Submission:

Labcorp Genetics (formerly Invitae), Labcorp
Classification: Uncertain significance. Last evaluated: 2022-05-12. Review status: criteria provided, single submitter. Criteria: Invitae Variant Classification Sherloc (09022015). Collection method: clinical testing. Allele origin: germline.
Comment: This variant is not present in population databases (gnomAD no frequency). In summary, the available evidence is currently insufficient to determine the role of this variant in disease. Therefore, it has been classified as a Variant of Uncertain Significance. Algorithms developed to predict the effect of missense changes on protein structure and function are either unavailable or do not agree on the potential impact of this missense change (SIFT: "Tolerated"; PolyPhen-2: "Possibly Damaging"; Align-GVGD: "Class C0"). This variant has not been reported in the literature in individuals affected with HPS4-related conditions. This sequence change replaces valine, which is neutral and non-polar, with leucine, which is neutral and non-polar, at codon 26 of the HPS4 protein (p.Val26Leu).

NM_022081.6(HPS4):c.76G>T (p.Val26Leu)

Gene: HPS4 (HPS4 biogenesis of lysosomal organelles complex 3 subunit 2; minus strand). Cytogenetic location: 22q12.1.
Variant type: single nucleotide variant.
Coding change: c.76G>T on transcript NM_022081.6 (MANE Select); coding-DNA position 76, G replaced by T.
Protein change: p.Val26Leu; replaces valine 26 with leucine.
Molecular consequence: missense variant. On other transcripts: non-coding transcript variant (8).
Genome position (GRCh38, 1-based): chr22:26,479,321, C>A on the plus strand (G>T on the coding strand, the complement: HPS4 is on the minus strand). VCF-style: chr22-26479321-C-A. GRCh37 (hg19) VCF-style: chr22-26875287-C-A.
Other names: c.76G>T, p.Val26Leu (NM_001349896.1, NM_001349898.2, NM_001349899.2 and 7 more transcripts); c.61G>T, p.Val21Leu (NM_152841.2); short protein forms V26L, V21L.
Identifiers: ClinVar variation 1993251 (VCV001993251.3), dbSNP rs1484434223, ClinGen allele CA411033144.